The following is an entry in ClinVar:

ClinVar aggregate classification (germline): Likely benign (1 of 4 stars; one submission).

Allele frequency attached by ClinVar (database versions not stated): 1000 Genomes Project 30x 0.00031; 1000 Genomes Project 0.00040; ExAC 0.00085; gnomAD 0.00108; TOPMed 0.00118; ESP Exome Variant Server 0.00146; gnomAD exomes 0.00178.
gnomAD v4.1: 2,742 of 1,613,602 alleles (0.17%); highest among the groups gnomAD compares: Non-Finnish European, 0.22%; 1 homozygote.

Submission:

CeGaT Center for Human Genetics Tuebingen
Classification: Likely benign. Last evaluated: 2022-05-01. Review status: criteria provided, single submitter. Criteria: CeGaT Center For Human Genetics Tuebingen Variant Classification Criteria Version 2. Collection method: clinical testing. Allele origin: germline. Affected: yes. Observed: 1 variant allele.
Comment: UPF1: BP4, BP7

NM_002911.4(UPF1):c.3177C>T (p.Ile1059=)

Gene: UPF1 (UPF1 RNA helicase and ATPase; plus strand). Cytogenetic location: 19p13.11.
Variant type: single nucleotide variant.
Coding change: c.3177C>T on transcript NM_002911.4 (MANE Select); coding-DNA position 3177, C replaced by T.
Protein change: p.Ile1059=; no amino-acid change (isoleucine 1059 retained).
Molecular consequence: synonymous variant.
Genome position (GRCh38, 1-based): chr19:18,865,718, C>T. VCF-style: chr19-18865718-C-T. GRCh37 (hg19) VCF-style: chr19-18976527-C-T.
Other names: c.3210C>T, p.Ile1070= (NM_001297549.2).
Identifiers: ClinVar variation 2649601 (VCV002649601.24), dbSNP rs142907537, ClinGen allele CA9317814.
Genomic context (GRCh38, chr19:18,865,718, plus strand): 5'-AGCCAGCCAGGATGTGGCGTCACAGCCCTTCTCTCAGGGCGCCCTGACGCAGGGCTACAT[C>T]TCCATGAGCCAGCCTTCCCAGATGAGCCAGCCCGGCCTCTCCCAGCCGGAGCTGTCCCAG-3'
Protein context (NP_002902.2, residues 1049-1069): FSQGALTQGY[Ile1059=]SMSQPSQMSQ